The following is an entry in ClinVar:

ClinVar aggregate classification (germline): Conflicting classifications of pathogenicity. Review status: criteria provided, conflicting classifications (1 of 4 stars). 5 submissions from 5 submitters: Uncertain significance (1); Likely benign (4). Last evaluated 2026-01-01.

Conditions:
Rhabdoid tumor predisposition syndrome 2 (RTPS2). Identifiers: Orphanet 231108, Orphanet 69077, MedGen C2750074, MONDO:0013224, OMIM 613325.
Hereditary cancer-predisposing syndrome. Also called: Hereditary neoplastic syndrome; Tumor predisposition; Neoplastic Syndromes, Hereditary; Hereditary Cancer Syndrome. Identifiers: Orphanet 140162, MedGen C0027672, MeSH D009386, MONDO:0015356.
Intellectual disability, autosomal dominant 16 (CSS4). Also called: COFFIN-SIRIS SYNDROME 4. Identifiers: Orphanet 1465, MedGen C3553249, MONDO:0013821, OMIM 614609.

Allele frequency attached by ClinVar (database versions not stated): gnomAD 0.00002; TOPMed 0.00002.
gnomAD v4.1: 13 of 1,538,658 alleles (0.00084%); highest among the groups gnomAD compares: African/African-American, 0.0041%; no homozygotes.

Submissions (5):

CeGaT Center for Human Genetics Tuebingen
Classification: Likely benign. Last evaluated: 2026-01-01. Review status: criteria provided, single submitter. Criteria: CeGaT Center For Human Genetics Tuebingen Variant Classification Criteria Version 2. Collection method: clinical testing. Allele origin: germline. Affected: yes. Observed: 1 variant allele.
Comment: SMARCA4: BP4, BP7

Labcorp Genetics (formerly Invitae), Labcorp
Classification: Likely benign for Rhabdoid tumor predisposition syndrome 2. Last evaluated: 2025-04-02. Review status: criteria provided, single submitter. Criteria: Invitae Variant Classification Sherloc (09022015). Collection method: clinical testing. Allele origin: germline.

Sema4
Classification: Uncertain significance for Hereditary cancer-predisposing syndrome. Last evaluated: 2021-11-12. Review status: criteria provided, single submitter. Criteria: Sema4 Curation Guidelines. Collection method: curation. Allele origin: germline.
Comment: The SMARCA4 c.720G>A (p.P240=) variant has not been reported in the literature to our knowledge. It was observed in 3/165416 chromosomes across all populations in the large and broad cohorts of the Genome Aggregation Database (PMID: 32461654). The variant has been reported in ClinVar (Variation ID: 470454). Computational tools developed to predict the effect of sequence changes on RNA splicing suggest this variant may create a cryptic splice site, but this prediction has not been confirmed by functional studies.The evidence is insufficient to meet ACMG/AMP criteria for classifying the variant as benign or pathogenic. Thus, the clinical significance of this variant is currently uncertain.

Genome-Nilou Lab
Classification: Likely benign for Intellectual disability, autosomal dominant 16. Last evaluated: 2021-07-15. Review status: criteria provided, single submitter. Criteria: ACMG Guidelines, 2015. Collection method: clinical testing. Allele origin: germline. Affected: no.

Ambry Genetics
Classification: Likely benign for Hereditary cancer-predisposing syndrome. Last evaluated: 2016-04-01. Review status: criteria provided, single submitter. Criteria: Ambry Variant Classification Scheme 2023. Collection method: clinical testing. Allele origin: germline.

NM_003072.5(SMARCA4):c.720G>A (p.Pro240=)

Gene: SMARCA4 (SWI/SNF related BAF chromatin remodeling complex subunit ATPase 4; plus strand). Cytogenetic location: 19p13.2.
Variant type: single nucleotide variant.
Coding change: c.720G>A on transcript NM_003072.5 (MANE Select); coding-DNA position 720, G replaced by A.
Protein change: p.Pro240=; no amino-acid change (proline 240 retained).
Molecular consequence: synonymous variant. On other transcripts: non-coding transcript variant (1).
Genome position (GRCh38, 1-based): chr19:10,986,553, G>A. VCF-style: chr19-10986553-G-A. GRCh37 (hg19) VCF-style: chr19-11097229-G-A.
Other names: c.720G>A, p.Pro240= (NM_001128844.3, NM_001128845.2, NM_001128846.2 and 5 more transcripts).
Identifiers: ClinVar variation 470454 (VCV000470454.23), dbSNP rs1023059961, ClinGen allele CA305286883.